The following is an entry in ClinVar:

ClinVar aggregate classification (germline): Uncertain significance. Review status: criteria provided, multiple submitters, no conflicts (2 of 4 stars). 2 submissions from 2 submitters: Uncertain significance (2). Last evaluated 2025-11-24.

Conditions:
Mitochondrial disease. Also called: Mitochondrial disorder; Mitochondrial disorders. Identifiers: Orphanet 68380, MedGen C0751651, MeSH D028361, MONDO:0044970.

Allele frequency attached by ClinVar (database versions not stated): gnomAD exomes below 0.00001; ExAC 0.00001.
gnomAD v4.1: 3 of 1,614,078 alleles (0.00019%); highest among the groups gnomAD compares: South Asian, 0.0022%; no homozygotes.

Submissions (2):

Genomenon, Inc
Classification: Uncertain significance for Mitochondrial disease. Last evaluated: 2025-11-24. Review status: criteria provided, single submitter. Criteria: Genomenon Sequence Variant Interpretation Standards - Updated. Collection method: curation. Allele origin: germline. Affected: no.
Comment: TK2 p.Leu178Met (c.532T>A) is a missense variant that changes the amino acid at residue 178 from Leucine to Methionine. To our knowledge, this variant has not been reported in patients affected with a TK2-related phenotype in the published literature. This variant is not present at a significant frequency in gnomAD and in silico models agree that this variant is possibly or probably damaging. In conclusion, we classify TK2 p.Leu178Met (c.532T>A) as a variant of uncertain significance.

Labcorp Genetics (formerly Invitae), Labcorp
Classification: Uncertain significance. Last evaluated: 2022-02-10. Review status: criteria provided, single submitter. Criteria: Invitae Variant Classification Sherloc (09022015). Collection method: clinical testing. Allele origin: germline.
Comment: This sequence change replaces leucine, which is neutral and non-polar, with methionine, which is neutral and non-polar, at codon 178 of the TK2 protein (p.Leu178Met). This variant is present in population databases (rs777508830, gnomAD 0.006%). This variant has not been reported in the literature in individuals affected with TK2-related conditions. Algorithms developed to predict the effect of missense changes on protein structure and function are either unavailable or do not agree on the potential impact of this missense change (SIFT: "Deleterious"; PolyPhen-2: "Probably Damaging"; Align-GVGD: "Class C0"). In summary, the available evidence is currently insufficient to determine the role of this variant in disease. Therefore, it has been classified as a Variant of Uncertain Significance.

NM_004614.5(TK2):c.532T>A (p.Leu178Met)

Gene: TK2 (thymidine kinase 2; minus strand). Cytogenetic location: 16q21.
Variant type: single nucleotide variant.
Coding change: c.532T>A on transcript NM_004614.5 (MANE Select); coding-DNA position 532, T replaced by A.
Protein change: p.Leu178Met; replaces leucine 178 with methionine.
Molecular consequence: missense variant. On other transcripts: non-coding transcript variant (1), intron variant (1).
Genome position (GRCh38, 1-based): chr16:66,517,795, A>T on the plus strand (T>A on the coding strand, the complement: TK2 is on the minus strand). VCF-style: chr16-66517795-A-T. GRCh37 (hg19) VCF-style: chr16-66551698-A-T.
Other names: c.532T>A (NM_004614.4); c.439T>A, p.Leu147Met (NM_001172643.1); c.457T>A, p.Leu153Met (NM_001172644.2); c.478T>A, p.Leu160Met (NM_001172645.2); c.385T>A, p.Leu129Met (NM_001271934.2); c.241T>A, p.Leu81Met (NM_001272050.2); c.357-3984T>A (NM_001271935.1); short protein forms L178M, L153M, L160M, L81M, L129M, L147M.
Identifiers: ClinVar variation 1946292 (VCV001946292.4), dbSNP rs777508830, ClinGen allele CA8093648.
Genomic context (GRCh38, chr16:66,517,795, plus strand): 5'-CTCAAGGGACCCAGGAGAGAGACAAGAGAGGGAGGTGGGAGGGGTGCATCTCACCTATCA[A>T]ATCAACAGACACGTCCATGTTCCTCAAGATCCAGTCAAACCATTCCGACAGAACTACATA-3'
Protein context (NP_004605.4, residues 168-188): ILRNMDVSVD[Leu178Met]IVYLRTNPET